The following is an entry in ClinVar:

NM_014991.6(WDFY3):c.4894C>G (p.Leu1632Val)

Gene: WDFY3 (WD repeat and FYVE domain containing 3; minus strand). Cytogenetic location: 4q21.23.
Variant type: single nucleotide variant.
Coding change: c.4894C>G on transcript NM_014991.6 (MANE Select); coding-DNA position 4894, C replaced by G.
Protein change: p.Leu1632Val; replaces leucine 1632 with valine.
Molecular consequence: missense variant.
Genome position (GRCh38, 1-based): chr4:84,766,328, G>C on the plus strand (C>G on the coding strand, the complement: WDFY3 is on the minus strand). VCF-style: chr4-84766328-G-C. GRCh37 (hg19) VCF-style: chr4-85687481-G-C.
Other names: short protein forms L1632V.
Identifiers: ClinVar variation 3350211 (VCV003350211.1).
Genomic context (GRCh38, chr4:84,766,328, plus strand): 5'-TCTTTTCTTTAGATGTATAAATTAGTTTTAGCAAGATATCCAGAAGTCTGTTCCTCAAAA[G>C]TATAAGATTAGCTGATACAAGACCTCCAAACTCCTCTTCAGTTCCTAAAATAAAAATAAA-3'
Protein context (NP_055806.2, residues 1622-1642): FGGLVSANLI[Leu1632Val]LRNRLLDILL

ClinVar aggregate classification (germline): Uncertain significance (0 of 4 stars; one submission).

Conditions:
WDFY3-related disorder.

gnomAD v4.1: 1 of 1,602,578 alleles (0.000062%); highest among the groups gnomAD compares: African/African-American, 0.0013%; no homozygotes.

Submission:

PreventionGenetics, part of Exact Sciences
Classification: Uncertain significance for WDFY3-related condition. Last evaluated: 2024-04-13. Review status: no assertion criteria provided. Collection method: clinical testing. Allele origin: germline.
Comment: The WDFY3 c.4894C>G variant is predicted to result in the amino acid substitution p.Leu1632Val. To our knowledge, this variant has not been reported in the literature or in a large population database, indicating this variant is rare. At this time, the clinical significance of this variant is uncertain due to the absence of conclusive functional and genetic evidence.